The following is an entry in ClinVar:

NM_001040108.2(MLH3):c.1724A>G (p.His575Arg)

Gene: MLH3 (mutL homolog 3; minus strand). Cytogenetic location: 14q24.3.
Variant type: single nucleotide variant.
Coding change: c.1724A>G on transcript NM_001040108.2 (MANE Select); coding-DNA position 1724, A replaced by G.
Protein change: p.His575Arg; replaces histidine 575 with arginine.
Molecular consequence: missense variant.
Genome position (GRCh38, 1-based): chr14:75,047,932, T>C on the plus strand (A>G on the coding strand, the complement: MLH3 is on the minus strand). VCF-style: chr14-75047932-T-C. GRCh37 (hg19) VCF-style: chr14-75514635-T-C.
Other names: c.1724A>G, p.His575Arg (NM_014381.3); short protein forms H575R.
Identifiers: ClinVar variation 647563 (VCV000647563.13), dbSNP rs141572255, ClinGen allele CA7275831.

ClinVar aggregate classification (germline): Uncertain significance. Review status: criteria provided, multiple submitters, no conflicts (2 of 4 stars). 3 submissions from 3 submitters: Uncertain significance (2). 1 of the submissions does not count toward it. Last evaluated 2025-05-16.

Conditions:
Colorectal cancer, hereditary nonpolyposis, type 7. Identifiers: Orphanet 144, MedGen C1858380, MONDO:0013725, OMIM 614385.
MLH3-related disorder. Also called: MLH3-related condition.

Allele frequency attached by ClinVar (database versions not stated): TOPMed 0.00004; ExAC 0.00003; gnomAD 0.00004; gnomAD exomes 0.00004 and 0.00003; ESP Exome Variant Server 0.00008.
gnomAD v4.1: 53 of 1,614,038 alleles (0.0033%); highest among the groups gnomAD compares: Admixed American, 0.0083%; no homozygotes.

Submissions (3):

Ambry Genetics
Classification: Uncertain significance. Last evaluated: 2025-05-16. Review status: criteria provided, single submitter. Criteria: Ambry Variant Classification Scheme 2023. Collection method: clinical testing. Allele origin: germline.

Labcorp Genetics (formerly Invitae), Labcorp
Classification: Uncertain significance for Colorectal cancer, hereditary nonpolyposis, type 7. Last evaluated: 2023-08-05. Review status: criteria provided, single submitter. Criteria: Invitae Variant Classification Sherloc (09022015). Collection method: clinical testing. Allele origin: germline.
Comment: Algorithms developed to predict the effect of missense changes on protein structure and function output the following: SIFT: "Not Available"; PolyPhen-2: "Benign"; Align-GVGD: "Not Available". The arginine amino acid residue is found in multiple mammalian species, which suggests that this missense change does not adversely affect protein function. In summary, the available evidence is currently insufficient to determine the role of this variant in disease. Therefore, it has been classified as a Variant of Uncertain Significance. ClinVar contains an entry for this variant (Variation ID: 647563). This variant has not been reported in the literature in individuals affected with MLH3-related conditions. This variant is present in population databases (rs141572255, gnomAD 0.01%). This sequence change replaces histidine, which is basic and polar, with arginine, which is basic and polar, at codon 575 of the MLH3 protein (p.His575Arg).

PreventionGenetics, part of Exact Sciences
Classification: Uncertain significance for MLH3-related condition. Last evaluated: 2024-05-24. Review status: no assertion criteria provided. Collection method: clinical testing. Allele origin: germline. Not counted in ClinVar's aggregate classification.
Comment: The MLH3 c.1724A>G variant is predicted to result in the amino acid substitution p.His575Arg. To our knowledge, this variant has not been reported in the literature. This variant is reported in 0.011% of alleles in individuals of Latino descent in gnomAD and is interpreted as uncertain or likely benign in ClinVar. At this time, the clinical significance of this variant is uncertain due to the absence of conclusive functional and genetic evidence.